The following is an entry in ClinVar:

NM_002734.5(PRKAR1A):c.1058C>G (p.Pro353Arg)

Gene: PRKAR1A (protein kinase cAMP-dependent type I regulatory subunit alpha; plus strand). Cytogenetic location: 17q24.2.
Variant type: single nucleotide variant.
Coding change: c.1058C>G on transcript NM_002734.5 (MANE Select); coding-DNA position 1058, C replaced by G.
Protein change: p.Pro353Arg; replaces proline 353 with arginine.
Molecular consequence: missense variant. On other transcripts: intron variant (1).
Genome position (GRCh38, 1-based): chr17:68,530,361, C>G. VCF-style: chr17-68530361-C-G. GRCh37 (hg19) VCF-style: chr17-66526502-C-G.
Other names: c.1058C>G, p.Pro353Arg (NM_001276289.2, NM_001278433.2, NM_001369389.1 and 3 more transcripts); c.973+360C>G (NM_001276290.1); short protein forms P353R.
Identifiers: ClinVar variation 3720820 (VCV003720820.2).

ClinVar aggregate classification (germline): Uncertain significance (1 of 4 stars; one submission).

Conditions:
Carney complex, type 1 (CNC1). Also called: CARNEY MYXOMA-ENDOCRINE COMPLEX; CARNEY COMPLEX, TYPE I. Identifiers: Orphanet 1359, MedGen C2607929, MONDO:0008057, OMIM 160980.

Submission:

Labcorp Genetics (formerly Invitae), Labcorp
Classification: Uncertain significance for Carney complex, type 1. Last evaluated: 2024-11-24. Review status: criteria provided, single submitter. Criteria: Invitae Variant Classification Sherloc (09022015). Collection method: clinical testing. Allele origin: germline.
Comment: This sequence change replaces proline, which is neutral and non-polar, with arginine, which is basic and polar, at codon 353 of the PRKAR1A protein (p.Pro353Arg). This variant is not present in population databases (gnomAD no frequency). This variant has not been reported in the literature in individuals affected with PRKAR1A-related conditions. Invitae Evidence Modeling of protein sequence and biophysical properties (such as structural, functional, and spatial information, amino acid conservation, physicochemical variation, residue mobility, and thermodynamic stability) indicates that this missense variant is not expected to disrupt PRKAR1A protein function with a negative predictive value of 95%. In summary, the available evidence is currently insufficient to determine the role of this variant in disease. Therefore, it has been classified as a Variant of Uncertain Significance.